The following is an entry in ClinVar:

NM_152419.3(HGSNAT):c.1465-4_1465-3delinsGA

Gene: HGSNAT (heparan-alpha-glucosaminide N-acetyltransferase; plus strand). Cytogenetic location: 8p11.21.
Variant type: Indel.
Coding change: c.1465-4_1465-3delinsGA on transcript NM_152419.3 (MANE Select); 4 bases into the intron before coding-DNA position 1465 through 3 bases into the intron before coding-DNA position 1465, CC replaced by GA.
Molecular consequence: intron variant.
Genome position (GRCh38, 1-based): chr8:43,196,944-43,196,945, CC replaced by GA. VCF-style: chr8-43196944-CC-GA. GRCh37 (hg19) VCF-style: chr8-43052087-CC-GA.
Other names: c.1552-4_1552-3delinsGA (NM_001363227.2); c.601-4_601-3delinsGA (NM_001363229.2); c.1273-4_1273-3delinsGA (NM_001363228.2).
Identifiers: ClinVar variation 1975422 (VCV001975422.5), dbSNP rs2487114134, ClinGen allele CA2580078512.

ClinVar aggregate classification (germline): Uncertain significance (1 of 4 stars; one submission).

Conditions:
Retinitis pigmentosa 73 (RP73). Identifiers: Orphanet 791, MedGen C4225287, MONDO:0014687, OMIM 616544.
Mucopolysaccharidosis, MPS-III-C (MPS3C). Also called: SANFILIPPO SYNDROME C; MPS III C; Mucopolysaccharidosis type IIIC (Sanfilippo C); MUCOPOLYSACCHARIDOSIS, TYPE IIIC; mucopolysaccharidosis type 3C; MPS IIIC (Sanfilippo Syndrome Type C). Identifiers: Orphanet 581, Orphanet 79271, MedGen C0086649, MONDO:0009657, OMIM 252930.

Submission:

Labcorp Genetics (formerly Invitae), Labcorp
Classification: Uncertain significance for Retinitis pigmentosa 73; Mucopolysaccharidosis, MPS-III-C. Last evaluated: 2022-08-19. Review status: criteria provided, single submitter. Criteria: Invitae Variant Classification Sherloc (09022015). Collection method: clinical testing. Allele origin: germline.
Comment: In summary, the available evidence is currently insufficient to determine the role of this variant in disease. Therefore, it has been classified as a Variant of Uncertain Significance. Variants that disrupt the consensus splice site are a relatively common cause of aberrant splicing (PMID: 17576681, 9536098). Experimental studies and prediction algorithms are not available or were not evaluated, and the effect of this variant on mRNA splicing is currently unknown. This variant has not been reported in the literature in individuals affected with HGSNAT-related conditions. Information on the frequency of this variant in the gnomAD database is not available, as this variant may be reported differently in the database. This sequence change falls in intron 14 of the HGSNAT gene. It does not directly change the encoded amino acid sequence of the HGSNAT protein. It affects a nucleotide within the consensus splice site.

Literature cited by the submitters: PubMed 17576681; PubMed 9536098.